The following is an entry in ClinVar:

ClinVar aggregate classification (germline): Uncertain significance (1 of 4 stars; one submission).

Allele frequency attached by ClinVar (database versions not stated): gnomAD 0.00005; TOPMed 0.00002; gnomAD exomes below 0.00001; ESP Exome Variant Server 0.00008.
gnomAD v4.1: 11 of 1,607,592 alleles (0.00068%); highest among the groups gnomAD compares: African/African-American, 0.013%; no homozygotes.

Submission:

Labcorp Genetics (formerly Invitae), Labcorp
Classification: Uncertain significance. Last evaluated: 2022-02-24. Review status: criteria provided, single submitter. Criteria: Invitae Variant Classification Sherloc (09022015). Collection method: clinical testing. Allele origin: germline.
Comment: This sequence change replaces alanine, which is neutral and non-polar, with valine, which is neutral and non-polar, at codon 176 of the XYLT2 protein (p.Ala176Val). This variant is not present in population databases (gnomAD no frequency). This variant has not been reported in the literature in individuals affected with XYLT2-related conditions. Algorithms developed to predict the effect of missense changes on protein structure and function are either unavailable or do not agree on the potential impact of this missense change (SIFT: "Deleterious"; PolyPhen-2: "Benign"; Align-GVGD: "Class C55"). Algorithms developed to predict the effect of sequence changes on RNA splicing suggest that this variant may create or strengthen a splice site. In summary, the available evidence is currently insufficient to determine the role of this variant in disease. Therefore, it has been classified as a Variant of Uncertain Significance.

NM_022167.4(XYLT2):c.527C>T (p.Ala176Val)

Gene: XYLT2 (xylosyltransferase 2; plus strand). Cytogenetic location: 17q21.33.
Variant type: single nucleotide variant.
Coding change: c.527C>T on transcript NM_022167.4 (MANE Select); coding-DNA position 527, C replaced by T.
Protein change: p.Ala176Val; replaces alanine 176 with valine.
Molecular consequence: missense variant.
Genome position (GRCh38, 1-based): chr17:50,354,021, C>T. VCF-style: chr17-50354021-C-T. GRCh37 (hg19) VCF-style: chr17-48431382-C-T.
Other names: short protein forms A176V.
Identifiers: ClinVar variation 1508590 (VCV001508590.3), dbSNP rs143167798, ClinGen allele CA291577349.